The following is an entry in ClinVar:

NM_001128840.3(CACNA1D):c.5814G>T (p.Pro1938=)

Gene: CACNA1D (calcium voltage-gated channel subunit alpha1 D; plus strand). Cytogenetic location: 3p21.1.
Variant type: single nucleotide variant.
Coding change: c.5814G>T on transcript NM_001128840.3 (MANE Select); coding-DNA position 5814, G replaced by T.
Protein change: p.Pro1938=; no amino-acid change (proline 1938 retained).
Molecular consequence: synonymous variant.
Genome position (GRCh38, 1-based): chr3:53,808,713, G>T. VCF-style: chr3-53808713-G-T. GRCh37 (hg19) VCF-style: chr3-53842740-G-T.
Other names: c.5874G>T, p.Pro1958= (NM_000720.4); c.5742G>T, p.Pro1914= (NM_001128839.3); c.5874G>T (NM_000720.3).
Identifiers: ClinVar variation 227205 (VCV000227205.14), dbSNP rs776968811, ClinGen allele CA10576628.

ClinVar aggregate classification (germline): Conflicting classifications of pathogenicity. Review status: criteria provided, conflicting classifications (1 of 4 stars). 3 submissions from 3 submitters: Uncertain significance (1); Likely benign (2). Last evaluated 2025-09-03.

gnomAD v4.1: 2 of 1,609,172 alleles (0.00012%); highest among the groups gnomAD compares: Admixed American, 0.0033%; no homozygotes.

Submissions (3):

Labcorp Genetics (formerly Invitae), Labcorp
Classification: Likely benign. Last evaluated: 2025-09-03. Review status: criteria provided, single submitter. Criteria: Invitae Variant Classification Sherloc (09022015). Collection method: clinical testing. Allele origin: germline.

Revvity Omics, Revvity
Classification: Uncertain significance. Last evaluated: 2019-07-20. Review status: criteria provided, single submitter. Criteria: ACMG Guidelines, 2015. Collection method: clinical testing. Allele origin: germline.

Laboratory for Molecular Medicine, Mass General Brigham Personalized Medicine
Classification: Likely benign. Last evaluated: 2015-06-04. Review status: criteria provided, single submitter. Criteria: LMM Criteria. Collection method: clinical testing. Allele origin: germline. Observed: 1 variant allele.
Comment: p.Pro1958Pro in exon 47 of CACNA1D: This variant is not expected to have clinica l significance because it does not alter an amino acid residue and is not locate d within the splice consensus sequence.